The following is an entry in ClinVar:

NM_000540.3(RYR1):c.12770C>T (p.Pro4257Leu)

Gene: RYR1 (ryanodine receptor 1; plus strand). Cytogenetic location: 19q13.2.
Variant type: single nucleotide variant.
Coding change: c.12770C>T on transcript NM_000540.3 (MANE Select); coding-DNA position 12770, C replaced by T.
Protein change: p.Pro4257Leu; replaces proline 4257 with leucine.
Molecular consequence: missense variant.
Genome position (GRCh38, 1-based): chr19:38,565,104, C>T. VCF-style: chr19-38565104-C-T. GRCh37 (hg19) VCF-style: chr19-39055744-C-T.
Other names: c.12755C>T, p.Pro4252Leu (NM_001042723.2); short protein forms P4252L, P4257L.
Identifiers: ClinVar variation 1411325 (VCV001411325.5), dbSNP rs1236523624, ClinGen allele CA405671117.

ClinVar aggregate classification (germline): Uncertain significance (1 of 4 stars; one submission).

Conditions:
RYR1-related disorder. Also called: RYR1-related condition; RYR1-related disorders. Identifiers: MedGen CN239331.

Submission:

Labcorp Genetics (formerly Invitae), Labcorp
Classification: Uncertain significance for RYR1-related disorder. Last evaluated: 2024-04-05. Review status: criteria provided, single submitter. Criteria: Invitae Variant Classification Sherloc (09022015). Collection method: clinical testing. Allele origin: germline.
Comment: This sequence change replaces proline, which is neutral and non-polar, with leucine, which is neutral and non-polar, at codon 4257 of the RYR1 protein (p.Pro4257Leu). This variant is not present in population databases (gnomAD no frequency). This variant has not been reported in the literature in individuals affected with RYR1-related conditions. ClinVar contains an entry for this variant (Variation ID: 1411325). Advanced modeling of protein sequence and biophysical properties (such as structural, functional, and spatial information, amino acid conservation, physicochemical variation, residue mobility, and thermodynamic stability) performed at Invitae indicates that this missense variant is not expected to disrupt RYR1 protein function with a negative predictive value of 95%. In summary, the available evidence is currently insufficient to determine the role of this variant in disease. Therefore, it has been classified as a Variant of Uncertain Significance.